The following is an entry in ClinVar:

ClinVar aggregate classification (germline): Uncertain significance (1 of 4 stars; one submission).

Submission:

Greenwood Genetic Center Diagnostic Laboratories, Greenwood Genetic Center
Classification: Uncertain significance. Last evaluated: 2024-09-24. Review status: criteria provided, single submitter. Criteria: ACMG Guidelines, 2015. Collection method: clinical testing. Allele origin: germline. Affected: yes.
Comment: PM2, BP4

NM_001042492.3(NF1):c.889-5265T>A

Gene: NF1 (neurofibromin 1; plus strand). Cytogenetic location: 17q11.2.
Variant type: single nucleotide variant.
Coding change: c.889-5265T>A on transcript NM_001042492.3 (MANE Select); 5265 bases into the intron before coding-DNA position 889, T replaced by A.
Molecular consequence: intron variant.
Genome position (GRCh38, 1-based): chr17:31,195,157, T>A. VCF-style: chr17-31195157-T-A. GRCh37 (hg19) VCF-style: chr17-29522175-T-A.
Other names: c.889-5265T>A (NM_000267.4, NM_001128147.3).
Identifiers: ClinVar variation 3765664 (VCV003765664.1).